The following is an entry in ClinVar:

NM_000059.4(BRCA2):c.6272G>A (p.Ser2091Asn)

Gene: BRCA2 (BRCA2 DNA repair associated; plus strand). Cytogenetic location: 13q13.1.
Variant type: single nucleotide variant.
Coding change: c.6272G>A on transcript NM_000059.4 (MANE Select); coding-DNA position 6272, G replaced by A.
Protein change: p.Ser2091Asn; replaces serine 2091 with asparagine.
Molecular consequence: missense variant.
Genome position (GRCh38, 1-based): chr13:32,340,627, G>A. VCF-style: chr13-32340627-G-A. GRCh37 (hg19) VCF-style: chr13-32914764-G-A.
Other names: short protein forms S2091N.
Identifiers: ClinVar variation 802938 (VCV000802938.8), dbSNP rs1060502389, ClinGen allele CA387788973.

ClinVar aggregate classification (germline): Conflicting classifications of pathogenicity. Review status: criteria provided, conflicting classifications (1 of 4 stars). 3 submissions from 3 submitters: Uncertain significance (2); Likely benign (1). Last evaluated 2023-03-23.

Conditions:
Hereditary breast ovarian cancer syndrome. Also called: Breast and ovarian cancer; Hereditary breast and ovarian cancer syndrome (HBOC); Hereditary breast and/or ovarian cancer syndrome; BRCA1- and BRCA2-Associated Hereditary Breast and Ovarian Cancer; Hereditary breast and ovarian cancer; Hereditary breast and ovarian cancer syndrome. Identifiers: Orphanet 145, MedGen C0677776, MeSH D061325, MONDO:0003582. Disease mechanism: loss of function.
Hereditary cancer-predisposing syndrome. Also called: Hereditary Cancer Syndrome; Neoplastic Syndromes, Hereditary; Hereditary neoplastic syndrome; Tumor predisposition. Identifiers: Orphanet 140162, MedGen C0027672, MeSH D009386, MONDO:0015356.
Breast-ovarian cancer, familial, susceptibility to, 2 (BROVCA2). Also called: BRCA2 Hereditary Breast and Ovarian Cancer. Identifiers: Orphanet 145, MedGen C2675520, MONDO:0012933, OMIM 612555. Disease mechanism: loss of function.

Submissions (3):

University of Washington Department of Laboratory Medicine, University of Washington
Classification: Likely benign for Hereditary cancer-predisposing syndrome. Last evaluated: 2023-03-23. Review status: criteria provided, single submitter. Criteria: Dines et al. (Genet Med. 2020). Collection method: curation. Allele origin: germline.
Comment: Missense variant in a coldspot region where missense variants are very unlikely to be pathogenic (PMID:31911673).

BRCA2 exon 11 coldspot. Reclassification based on statistical prior probability.

Labcorp Genetics (formerly Invitae), Labcorp
Classification: Uncertain significance for Hereditary breast ovarian cancer syndrome. Last evaluated: 2021-11-07. Review status: criteria provided, single submitter. Criteria: Invitae Variant Classification Sherloc (09022015). Collection method: clinical testing. Allele origin: germline.
Comment: This sequence change replaces serine, which is neutral and polar, with asparagine, which is neutral and polar, at codon 2091 of the BRCA2 protein (p.Ser2091Asn). This variant is not present in population databases (gnomAD no frequency). This variant has not been reported in the literature in individuals affected with BRCA2-related conditions. ClinVar contains an entry for this variant (Variation ID: 802938). Advanced modeling of protein sequence and biophysical properties (such as structural, functional, and spatial information, amino acid conservation, physicochemical variation, residue mobility, and thermodynamic stability) performed at Invitae indicates that this missense variant is not expected to disrupt BRCA2 protein function. In summary, the available evidence is currently insufficient to determine the role of this variant in disease. Therefore, it has been classified as a Variant of Uncertain Significance.

Mendelics
Classification: Uncertain significance for Breast-ovarian cancer, familial, susceptibility to, 2. Last evaluated: 2019-05-28. Review status: criteria provided, single submitter. Criteria: Mendelics Assertion Criteria 2017. Collection method: clinical testing. Allele origin: unknown.